The following is an entry in ClinVar:

ClinVar aggregate classification (germline): Uncertain significance. Review status: criteria provided, multiple submitters, no conflicts (2 of 4 stars). 2 submissions from 2 submitters: Uncertain significance (2). Last evaluated 2025-01-29.

Conditions:
Pulmonary fibrosis and/or bone marrow failure, Telomere-related, 3. Also called: PULMONARY FIBROSIS AND/OR BONE MARROW FAILURE SYNDROME, TELOMERE-RELATED, 3. Identifiers: Orphanet 2032, MedGen C4225346, MONDO:0014613, OMIM 616373.
Dyskeratosis congenita, autosomal recessive 5 (DKCB5). Identifiers: MedGen C3554656, MONDO:0014076, OMIM 615190.
Inborn genetic diseases. Identifiers: MedGen C0950123, MeSH D030342.

Submissions (2):

Ambry Genetics
Classification: Uncertain significance for Inborn genetic diseases. Last evaluated: 2025-01-29. Review status: criteria provided, single submitter. Criteria: Ambry Variant Classification Scheme 2023. Collection method: clinical testing. Allele origin: germline.
Comment: The p.P1122A variant (also known as c.3364C>G), located in coding exon 32 of the RTEL1 gene, results from a C to G substitution at nucleotide position 3364. The proline at codon 1122 is replaced by alanine, an amino acid with highly similar properties. This amino acid position is conserved. In addition, the in silico prediction for this alteration is inconclusive. Based on the available evidence, the clinical significance of this variant remains unclear.

Labcorp Genetics (formerly Invitae), Labcorp
Classification: Uncertain significance for Dyskeratosis congenita, autosomal recessive 5; Pulmonary fibrosis and/or bone marrow failure, Telomere-related, 3. Last evaluated: 2024-09-26. Review status: criteria provided, single submitter. Criteria: Invitae Variant Classification Sherloc (09022015). Collection method: clinical testing. Allele origin: germline.
Comment: This sequence change replaces proline, which is neutral and non-polar, with alanine, which is neutral and non-polar, at codon 1122 of the RTEL1 protein (p.Pro1122Ala). This variant is not present in population databases (gnomAD no frequency). This variant has not been reported in the literature in individuals affected with RTEL1-related conditions. An algorithm developed to predict the effect of missense changes on protein structure and function (PolyPhen-2) suggests that this variant is likely to be disruptive. In summary, the available evidence is currently insufficient to determine the role of this variant in disease. Therefore, it has been classified as a Variant of Uncertain Significance.

NM_001283009.2(RTEL1):c.3364C>G (p.Pro1122Ala)

Genes: RTEL1 (regulator of telomere elongation helicase 1; plus strand), RTEL1-TNFRSF6B (RTEL1-TNFRSF6B readthrough (NMD candidate); plus strand). Cytogenetic location: 20q13.33.
Variant type: single nucleotide variant.
Coding change: c.3364C>G on transcript NM_001283009.2 (MANE Select); coding-DNA position 3364, C replaced by G.
Protein change: p.Pro1122Ala; replaces proline 1122 with alanine.
Molecular consequence: missense variant. On other transcripts: non-coding transcript variant (1).
Genome position (GRCh38, 1-based): chr20:63,695,086, C>G. VCF-style: chr20-63695086-C-G. GRCh37 (hg19) VCF-style: chr20-62326439-C-G.
Other names: c.2695C>G, p.Pro899Ala (NM_001283010.1); c.3364C>G, p.Pro1122Ala (NM_016434.4); c.3436C>G, p.Pro1146Ala (NM_032957.5); short protein forms P1122A, P1146A, P899A.
Identifiers: ClinVar variation 3752757 (VCV003752757.3).
Genomic context (GRCh38, chr20:63,695,086, plus strand): 5'-AAATGGGGGCTGTGCCGGGTCTGATTGAAGCTCCCCGCAGGGTTCAGCATGTTTGTGCGT[C>G]CACACCACAAGCAGCGCTTCTCACAGACGTGCACAGACCTGACCGGCCGGCCCTACCCGG-3'
Protein context (NP_001269938.1, residues 1112-1132): LLHRFSMFVR[Pro1122Ala]HHKQRFSQTC